The following is an entry in ClinVar:

ClinVar aggregate classification (germline): Likely benign. Review status: criteria provided, multiple submitters, no conflicts (2 of 4 stars). 4 submissions from 4 submitters: Likely benign (3). 1 of the submissions does not count toward it. Last evaluated 2026-01-05.

Conditions:
ADAMTS9-related disorder. Also called: ADAMTS9-related condition.

Allele frequency attached by ClinVar (database versions not stated): 1000 Genomes Project 0.00100; 1000 Genomes Project 30x 0.00109; ExAC 0.00235; TOPMed 0.00235; gnomAD 0.00243 and 0.00247; ESP Exome Variant Server 0.00377.
gnomAD v4.1: 6,418 of 1,612,310 alleles (0.4%); highest among the groups gnomAD compares: Non-Finnish European, 0.49%; 14 homozygotes.

Submissions (4):

Labcorp Genetics (formerly Invitae), Labcorp
Classification: Likely benign. Last evaluated: 2026-01-05. Review status: criteria provided, single submitter. Criteria: Invitae Variant Classification Sherloc (09022015). Collection method: clinical testing. Allele origin: germline.

Blueprint Genetics
Classification: Likely benign. Last evaluated: 2024-11-20. Review status: criteria provided, single submitter. Criteria: ACMG Guidelines, 2015. Collection method: clinical testing. Allele origin: germline.

CeGaT Center for Human Genetics Tuebingen
Classification: Likely benign. Last evaluated: 2024-02-01. Review status: criteria provided, single submitter. Criteria: CeGaT Center For Human Genetics Tuebingen Variant Classification Criteria Version 2. Collection method: clinical testing. Allele origin: germline. Affected: yes. Observed: 1 variant allele.
Comment: ADAMTS9: BP4

PreventionGenetics, part of Exact Sciences
Classification: Likely benign for ADAMTS9-related condition. Last evaluated: 2024-07-06. Review status: no assertion criteria provided. Collection method: clinical testing. Allele origin: germline. Not counted in ClinVar's aggregate classification.
Comment: This variant is classified as likely benign based on ACMG/AMP sequence variant interpretation guidelines (Richards et al. 2015 PMID: 25741868, with internal and published modifications).

NM_182920.2(ADAMTS9):c.4356+4C>T

Gene: ADAMTS9 (ADAM metallopeptidase with thrombospondin type 1 motif 9; minus strand). Cytogenetic location: 3p14.1.
Variant type: single nucleotide variant.
Coding change: c.4356+4C>T on transcript NM_182920.2 (MANE Select); 4 bases into the intron after coding-DNA position 4356, C replaced by T.
Molecular consequence: intron variant.
Genome position (GRCh38, 1-based): chr3:64,594,254, G>A on the plus strand (C>T on the coding strand, the complement: ADAMTS9 is on the minus strand). VCF-style: chr3-64594254-G-A. GRCh37 (hg19) VCF-style: chr3-64579930-G-A.
Other names: c.4272+4C>T (NM_001318781.2).
Identifiers: ClinVar variation 774301 (VCV000774301.32), dbSNP rs150420672, ClinGen allele CA2480557.
Genomic context (GRCh38, chr3:64,594,254, plus strand): 5'-AGTGCCCCAGAATACCTTGGAATTAGATAGTTTGGTTAACAAACATGAATAGTTAGGGCC[G>A]TACCGAGCTCCAAGGGCCAGTACTCCATGCAGCGTCGTGTGGACAAGCATGTGTGTTACA-3'